The following is an entry in ClinVar:

ClinVar aggregate classification (germline): Uncertain significance (1 of 4 stars; one submission).

gnomAD v4.1: 5 of 1,614,084 alleles (0.00031%); highest among the groups gnomAD compares: African/African-American, 0.0067%; no homozygotes.

Submission:

Ambry Genetics
Classification: Uncertain significance. Last evaluated: 2024-02-25. Review status: criteria provided, single submitter. Criteria: Ambry Variant Classification Scheme 2023. Collection method: clinical testing. Allele origin: germline.
Comment: The p.S34Y variant (also known as c.101C>A), located in coding exon 1 of the BUB3 gene, results from a C to A substitution at nucleotide position 101. The serine at codon 34 is replaced by tyrosine, an amino acid with dissimilar properties. This amino acid position is conserved. In addition, this alteration is predicted to be deleterious by in silico analysis. Since supporting evidence is limited at this time, the clinical significance of this alteration remains unclear.

NM_004725.4(BUB3):c.101C>A (p.Ser34Tyr)

Genes: BUB3 (BUB3 mitotic checkpoint protein; plus strand), LOC130004885 (ATAC-STARR-seq lymphoblastoid active region 4151; plus strand). Cytogenetic location: 10q26.13.
Variant type: single nucleotide variant.
Coding change: c.101C>A on transcript NM_004725.4 (MANE Select); coding-DNA position 101, C replaced by A.
Protein change: p.Ser34Tyr; replaces serine 34 with tyrosine.
Molecular consequence: missense variant.
Genome position (GRCh38, 1-based): chr10:123,155,018, C>A. VCF-style: chr10-123155018-C-A. GRCh37 (hg19) VCF-style: chr10-124914534-C-A.
Other names: c.101C>A, p.Ser34Tyr (NM_001007793.3); short protein forms S34Y.
Identifiers: ClinVar variation 1754430 (VCV001754430.2), dbSNP rs768452215, ClinGen allele CA378624941.
Genomic context (GRCh38, chr10:123,155,018, plus strand): 5'-AGGATGGCATCTCCTCCGTGAAGTTCAGCCCCAACACCTCCCAGTTCCTGCTTGTCTCCT[C>A]CTGGGACACGTCCGTGCGTCTCTACGATGTGCCGGCCAACTCCATGCGGCTCAAGTACCA-3'
Protein context (NP_004716.1, residues 24-44): PNTSQFLLVS[Ser34Tyr]WDTSVRLYDV